The following is an entry in ClinVar:

ClinVar aggregate classification (germline): Benign (1 of 4 stars; one submission).

Conditions:
Achondrogenesis, type IA (ACG1A). Identifiers: Orphanet 932, Orphanet 93299, MedGen C0265273, MONDO:0008701, OMIM 200600.

Allele frequency attached by ClinVar (database versions not stated): gnomAD exomes 0.00241; TOPMed 0.00270; 1000 Genomes Project 0.00759.

Submission:

Illumina Laboratory Services, Illumina
Classification: Benign for Achondrogenesis, type IA. Last evaluated: 2018-01-13. Review status: criteria provided, single submitter. Criteria: ICSL Variant Classification Criteria 13 December 2019. Collection method: clinical testing. Allele origin: germline.
Comment: This variant was observed in the ICSL laboratory as part of a predisposition screen in an ostensibly healthy population. It had not been previously curated by ICSL or reported in the Human Gene Mutation Database (HGMD: prior to June 1st, 2018), and was therefore a candidate for classification through an automated scoring system. Utilizing variant allele frequency, disease prevalence and penetrance estimates, and inheritance mode, an automated score was calculated to assess if this variant is too frequent to cause the disease. Based on the score and internal cut-off values, a variant classified as benign is not then subjected to further curation. The score for this variant resulted in a classification of benign for this disease.

NM_004239.4(TRIP11):c.*387C>A

Gene: TRIP11 (thyroid hormone receptor interactor 11; minus strand). Cytogenetic location: 14q32.12.
Variant type: single nucleotide variant.
Coding change: c.*387C>A on transcript NM_004239.4 (MANE Select); 387 bases downstream of the stop codon, C replaced by A.
Molecular consequence: 3 prime UTR variant.
Genome position (GRCh38, 1-based): chr14:91,969,286, G>T on the plus strand (C>A on the coding strand, the complement: TRIP11 is on the minus strand). VCF-style: chr14-91969286-G-T. GRCh37 (hg19) VCF-style: chr14-92435630-G-T.
Other names: c.*387C>A (NM_001321851.1).
Identifiers: ClinVar variation 886381 (VCV000886381.4), dbSNP rs375437590, ClinGen allele CA265632519.